The following is an entry in ClinVar:

ClinVar aggregate classification (germline): Pathogenic. Review status: criteria provided, single submitter (1 of 4 stars). 2 submissions from 2 submitters: Pathogenic (1). 1 of the submissions does not count toward it. Last evaluated 2025-08-23.

Conditions:
Gaucher disease. Also called: Acute cerebral Gaucher disease; Cerebroside lipidosis syndrome; Gaucher splenomegaly; Sphingolipidosis 1; Glucocerebrosidosis; Glucosylceramidase deficiency. Identifiers: Orphanet 355, MedGen C0017205, MONDO:0018150.
Gaucher disease type I (GD1). Also called: GD 1; GAUCHER DISEASE, NONCEREBRAL JUVENILE; GBA DEFICIENCY; GD I; GLUCOCEREBROSIDASE DEFICIENCY; ACID BETA-GLUCOSIDASE DEFICIENCY. Identifiers: Orphanet 355, Orphanet 77259, MedGen C1961835, MONDO:0009265, OMIM 230800.

Submissions (2):

Natera, Inc.
Classification: Pathogenic for Gaucher disease. Last evaluated: 2025-08-23. Review status: criteria provided, single submitter. Criteria: Natera Variant Classification Schema (03/2026). Collection method: clinical testing. Allele origin: germline.
Comment: The c.1228C>G variant in GBA1 is a missense variant predicted to cause substitution of leucine to valine at amino acid 410. This variant is rare in the general population with a frequency below the threshold expected for the associated phenotype(s). This variant has been observed in one or more individuals affected with the associated recessive disease, as either homozygous or compound heterozygous with a second variant (PMID: 14994233, 19029690, 34820281). Additionally, this variant has been observed to segregate in affected family members (PMID: 14994233). This variant has been identified in one or more affected individual with a phenotype highly consistent with the associated gene (PMID: 14994233). Functional studies show that this variant may disrupt protein function (PMID: 14994233). Computational prediction algorithms indicate this variant is likely to affect gene or protein function. Given the available evidence, this variant is classified as Pathogenic.

OMIM
Classification: Pathogenic for GAUCHER DISEASE, TYPE I. Last evaluated: 2004-03-15. Review status: no assertion criteria provided. Collection method: literature only. Allele origin: germline. Not counted in ClinVar's aggregate classification.

Literature cited by the submitters: PubMed 14994233 (cited by Natera, Inc. and OMIM); PubMed 19029690 (cited by Natera, Inc.); PubMed 34820281 (cited by Natera, Inc.).

NM_000157.4(GBA1):c.1228C>G (p.Leu410Val)

Genes: GBA1 (glucosylceramidase beta 1; minus strand), LOC106627981 (GBA recombination region; plus strand). Cytogenetic location: 1q22.
Variant type: single nucleotide variant.
Coding change: c.1228C>G on transcript NM_000157.4 (MANE Select); coding-DNA position 1228, C replaced by G.
Protein change: p.Leu410Val; replaces leucine 410 with valine.
Molecular consequence: missense variant.
Genome position (GRCh38, 1-based): chr1:155,235,841, G>C on the plus strand (C>G on the coding strand, the complement: GBA1 is on the minus strand). VCF-style: chr1-155235841-G-C. GRCh37 (hg19) VCF-style: chr1-155205632-G-C.
Other names: L371V; c.1228C>G, p.Leu410Val (NM_001005741.3, NM_001005742.3); c.967C>G, p.Leu323Val (NM_001171811.2); c.1081C>G, p.Leu361Val (NM_001171812.2); c.1228C>G (NM_000157.3); short protein forms L410V, L323V, L361V.
Identifiers: ClinVar variation 4332 (VCV000004332.3), dbSNP rs121908314, ClinGen allele CA253116.
Genomic context (GRCh38, chr1:155,235,841, plus strand): 5'-GTCCTCCTTCGGGGTTCAGGGCAAGGTTCCAGTCGGTCCAGCCGACCACATGGTACAGGA[G>C]GTTCTAGGGTAAGGACAAAGGCAAAGAGACAAAGGCGCAACACTGGGGGTCCCCAGAGAG-3'
Protein context (NP_000148.2, residues 400-420): MQYSHSIITN[Leu410Val]LYHVVGWTDW